The following is an entry in ClinVar:

NM_130839.5(UBE3A):c.1754-2A>G

Genes: SNHG14 (small nucleolar RNA host gene 14; plus strand), UBE3A (ubiquitin protein ligase E3A; minus strand). Cytogenetic location: 15q11.2.
Variant type: single nucleotide variant.
Coding change: c.1754-2A>G on transcript NM_130839.5 (MANE Select); the canonical splice acceptor site of the intron before coding-DNA position 1754, A replaced by G.
Molecular consequence: splice acceptor variant.
Genome position (GRCh38, 1-based): chr15:25,356,898, T>C on the plus strand (A>G on the coding strand, the complement: UBE3A is on the minus strand). VCF-style: chr15-25356898-T-C. GRCh37 (hg19) VCF-style: chr15-25602045-T-C.
Other names: c.1577-2A>G (NM_001354546.2); c.443-2A>G (NM_001354551.2); c.1694-2A>G (NM_001354549.2, NM_001354548.2, NM_130838.4 and 17 more transcripts); c.503-2A>G (NM_001354550.2); c.1754-2A>G (NM_001354545.2, NM_001354538.2, NM_001354505.1); c.1763-2A>G (NM_000462.5).
Identifiers: ClinVar variation 136201 (VCV000136201.1), dbSNP rs587780579, ClinGen allele CA333476.

ClinVar aggregate classification (germline): Pathogenic (0 of 4 stars; one submission).

Conditions:
Angelman syndrome (AS). Also called: HAPPY PUPPET SYNDROME. Identifiers: Orphanet 72, MedGen C0162635, MONDO:0007113, OMIM 105830. Disease mechanism: loss of function. Inheritance: AS is caused by disruption of maternally imprinted UBE3A located within the 15q11.2-q13 Angelman syndrome/Prader-Willi syndrome (AS/PWS) region., imprinting disorder.

Submission:

Baylor Genetics
Classification: Pathogenic for Angelman Syndrome. Last evaluated: 2014-02-14. Review status: no assertion criteria provided. Collection method: clinical testing. Allele origin: germline. Affected: yes. Observed: 1 variant allele. Study: UBE3A Mutation Study.
Comment: Data collected from clinical UBE3A sequence analysis results

Literature cited by the submitters: PubMed 25212744.